The following is an entry in ClinVar:

NM_000257.4(MYH7):c.4645-10C>A

Genes: MHRT (myosin heavy chain associated RNA transcript; plus strand), MYH7 (myosin heavy chain 7; minus strand), LOC126861897 (BRD4-independent group 4 enhancer GRCh37_chr14:23884455-23885654; plus strand). Cytogenetic location: 14q11.2.
Variant type: single nucleotide variant.
Coding change: c.4645-10C>A on transcript NM_000257.4 (MANE Select); 10 bases into the intron before coding-DNA position 4645, C replaced by A.
Molecular consequence: intron variant.
Genome position (GRCh38, 1-based): chr14:23,416,322, G>T on the plus strand (C>A on the coding strand, the complement: MYH7 is on the minus strand). VCF-style: chr14-23416322-G-T. GRCh37 (hg19) VCF-style: chr14-23885531-G-T.
Other names: c.4645-10C>A (NM_001407004.1).
Identifiers: ClinVar variation 3075409 (VCV003075409.2), dbSNP rs1892209579, ClinGen allele CA2624234868.

ClinVar aggregate classification (germline): Likely benign. Review status: criteria provided, multiple submitters, no conflicts (2 of 4 stars). 2 submissions from 2 submitters: Likely benign (2). Last evaluated 2025-12-03.

Conditions:
Cardiomyopathy (CMYO). Also called: Cardiomyopathies. Identifiers: Orphanet 167848, MedGen C0878544, MONDO:0004994, HP:0001638. Inheritance: Various modes of inheritance.
Hypertrophic cardiomyopathy. Also called: HYPERTROPHIC MYOCARDIOPATHY. Identifiers: Orphanet 217569, MedGen C0007194, MeSH D002312, MONDO:0005045, HP:0001639.

Allele frequency attached by ClinVar (database versions not stated): gnomAD exomes below 0.00001.
gnomAD v4.1: 1 of 1,611,502 alleles (0.000062%); highest among the groups gnomAD compares: Non-Finnish European, 0.000085%; no homozygotes.

Submissions (2):

Labcorp Genetics (formerly Invitae), Labcorp
Classification: Likely benign for Hypertrophic cardiomyopathy. Last evaluated: 2025-12-03. Review status: criteria provided, single submitter. Criteria: Invitae Variant Classification Sherloc (09022015). Collection method: clinical testing. Allele origin: germline.

All of Us Research Program, National Institutes of Health
Classification: Likely benign for Cardiomyopathy. Last evaluated: 2024-02-05. Review status: criteria provided, single submitter. Criteria: ACMG Guidelines, 2015. Collection method: clinical testing. Allele origin: germline. Inheritance: Autosomal dominant inheritance. Observed: 1 variant allele, 1 heterozygote.
Comment: This study involves interpretation of variants in research participants for the purpose of population health screening. Participant phenotype was not available at the time of variant classification. Additional details can be found in publication PMID: 35346344, PMCID: PMC8962531